The following is an entry in ClinVar:

NM_018942.3(HMX1):c.760C>T (p.Arg254Cys)

Gene: HMX1 (H6 family homeobox 1; minus strand). Cytogenetic location: 4p16.1.
Variant type: single nucleotide variant.
Coding change: c.760C>T on transcript NM_018942.3 (MANE Select); coding-DNA position 760, C replaced by T.
Protein change: p.Arg254Cys; replaces arginine 254 with cysteine.
Molecular consequence: missense variant. On other transcripts: intron variant (1).
Genome position (GRCh38, 1-based): chr4:8,867,980, G>A on the plus strand (C>T on the coding strand, the complement: HMX1 is on the minus strand). VCF-style: chr4-8867980-G-A. GRCh37 (hg19) VCF-style: chr4-8869706-G-A.
Other names: c.394+3241C>T (NM_001306142.2); short protein forms R254C.
Identifiers: ClinVar variation 1714250 (VCV001714250.5), dbSNP rs1336919538, ClinGen allele CA356277874.

ClinVar aggregate classification (germline): Uncertain significance (1 of 4 stars; one submission).

Allele frequency attached by ClinVar (database versions not stated): gnomAD exomes below 0.00001.
gnomAD v4.1: 4 of 1,531,522 alleles (0.00026%); highest among the groups gnomAD compares: South Asian, 0.0024%; no homozygotes.

Submission:

Labcorp Genetics (formerly Invitae), Labcorp
Classification: Uncertain significance. Last evaluated: 2022-07-29. Review status: criteria provided, single submitter. Criteria: Invitae Variant Classification Sherloc (09022015). Collection method: clinical testing. Allele origin: germline.
Comment: This sequence change replaces arginine, which is basic and polar, with cysteine, which is neutral and slightly polar, at codon 254 of the HMX1 protein (p.Arg254Cys). The frequency data for this variant in the population databases is considered unreliable, as metrics indicate poor data quality at this position in the gnomAD database. This variant has not been reported in the literature in individuals affected with HMX1-related conditions. Algorithms developed to predict the effect of missense changes on protein structure and function (SIFT, PolyPhen-2, Align-GVGD) all suggest that this variant is likely to be disruptive. In summary, the available evidence is currently insufficient to determine the role of this variant in disease. Therefore, it has been classified as a Variant of Uncertain Significance.